The following is an entry in ClinVar:

NM_000489.6(ATRX):c.1948G>C (p.Glu650Gln)

Gene: ATRX (ATRX chromatin remodeler; minus strand). Cytogenetic location: Xq21.1.
Variant type: single nucleotide variant.
Coding change: c.1948G>C on transcript NM_000489.6 (MANE Select); coding-DNA position 1948, G replaced by C.
Protein change: p.Glu650Gln; replaces glutamic acid 650 with glutamine.
Molecular consequence: missense variant.
Genome position (GRCh38, 1-based): chrX:77,683,308, C>G on the plus strand (G>C on the coding strand, the complement: ATRX is on the minus strand). VCF-style: chrX-77683308-C-G. GRCh37 (hg19) VCF-style: chrX-76938800-C-G.
Other names: c.1834G>C, p.Glu612Gln (NM_138270.5); c.1948G>C (NM_000489.3); short protein forms E612Q, E650Q.
Identifiers: ClinVar variation 2083241 (VCV002083241.5), dbSNP rs782760805, ClinGen allele CA10458143.
Genomic context (GRCh38, chrX:77,683,308, plus strand): 5'-TTTCTGTCGGTCGCCTCAAGGGTGTAGTCTTTACACGTGGGGATCTTCGAAGATCAGATT[C>G]CTCTAAAAGTAATGAAACTTCATTTTCAACCAAATGCTCATTATCACTGTTTTCCTGTCC-3'
Protein context (NP_000480.3, residues 640-660): VENEVSLLLE[Glu650Gln]SDLRRSPRVK

ClinVar aggregate classification (germline): Conflicting classifications of pathogenicity. Review status: criteria provided, conflicting classifications (1 of 4 stars). 2 submissions from 2 submitters: Uncertain significance (1); Likely benign (1). Last evaluated 2024-04-25.

Conditions:
Alpha thalassemia-X-linked intellectual disability syndrome (ATRX). Also called: ALPHA-THALASSEMIA/MENTAL RETARDATION SYNDROME, X-LINKED; ATR, NONDELETION TYPE; ATR-X syndrome; Alpha thalassemia mental retardation syndrome, nondeletion type, X-linked; XLMR hypotonic face syndrome; X-linked alpha-thalassemia-mental retardation syndrome. Identifiers: Orphanet 847, MedGen C1845055, MONDO:0010519, OMIM 301040.

Allele frequency attached by ClinVar (database versions not stated): ExAC 0.00001; gnomAD exomes 0.00001.

Submissions (2):

GeneDx
Classification: Uncertain significance. Last evaluated: 2024-04-25. Review status: criteria provided, single submitter. Criteria: GeneDx Variant Classification Process June 2021. Collection method: clinical testing. Allele origin: germline. Affected: yes.
Comment: In silico analysis, which includes protein predictors and evolutionary conservation, supports that this variant does not alter protein structure/function; Has not been previously published as pathogenic or benign to our knowledge

Labcorp Genetics (formerly Invitae), Labcorp
Classification: Likely benign for Alpha thalassemia-X-linked intellectual disability syndrome. Last evaluated: 2024-02-23. Review status: criteria provided, single submitter. Criteria: Invitae Variant Classification Sherloc (09022015). Collection method: clinical testing. Allele origin: germline.